The following is an entry in ClinVar:

ClinVar aggregate classification (germline): Uncertain significance (1 of 4 stars; one submission).

gnomAD v4.1: 17 of 1,613,934 alleles (0.0011%); highest among the groups gnomAD compares: South Asian, 0.015%; no homozygotes.

Submission:

GeneDx
Classification: Uncertain significance. Last evaluated: 2024-09-20. Review status: criteria provided, single submitter. Criteria: GeneDx Variant Classification Process June 2021. Collection method: clinical testing. Allele origin: germline. Affected: yes.
Comment: Has not been previously published as pathogenic or benign to our knowledge; In silico analysis indicates that this missense variant does not alter protein structure/function

NM_014112.5(TRPS1):c.3649A>G (p.Lys1217Glu)

Gene: TRPS1 (transcriptional repressor GATA binding 1; minus strand). Cytogenetic location: 8q23.3.
Variant type: single nucleotide variant.
Coding change: c.3649A>G on transcript NM_014112.5 (MANE Select); coding-DNA position 3649, A replaced by G.
Protein change: p.Lys1217Glu; replaces lysine 1217 with glutamic acid.
Molecular consequence: missense variant.
Genome position (GRCh38, 1-based): chr8:115,414,259, T>C on the plus strand (A>G on the coding strand, the complement: TRPS1 is on the minus strand). VCF-style: chr8-115414259-T-C. GRCh37 (hg19) VCF-style: chr8-116426487-T-C.
Other names: c.3622A>G, p.Lys1208Glu (NM_001282902.3); c.3628A>G, p.Lys1210Glu (NM_001282903.3); c.3610A>G, p.Lys1204Glu (NM_001330599.2); short protein forms K1204E, K1208E, K1210E, K1217E.
Identifiers: ClinVar variation 3774695 (VCV003774695.1).
Genomic context (GRCh38, chr8:115,414,259, plus strand): 5'-AGACAATGCCACAGTGCACACATTTTGTTGAAAGTTCATCTTGAGTACTTCTATCAACTT[T>C]CTCTGTTTTTACTACATTCAAGGGACCTTCATTTTTTACATTTGGTGGTGCCTTCGTTTT-3'
Protein context (NP_054831.2, residues 1207-1227): EGPLNVVKTE[Lys1217Glu]VDRSTQDELS